The following is an entry in ClinVar:

NM_005902.4(SMAD3):c.602A>G (p.Asp201Gly)

Gene: SMAD3 (SMAD family member 3; plus strand). Cytogenetic location: 15q22.33.
Variant type: single nucleotide variant.
Coding change: c.602A>G on transcript NM_005902.4 (MANE Select); coding-DNA position 602, A replaced by G.
Protein change: p.Asp201Gly; replaces aspartic acid 201 with glycine.
Molecular consequence: missense variant.
Genome position (GRCh38, 1-based): chr15:67,166,848, A>G. VCF-style: chr15-67166848-A-G. GRCh37 (hg19) VCF-style: chr15-67459186-A-G.
Other names: c.287A>G, p.Asp96Gly (NM_001145102.2); c.470A>G, p.Asp157Gly (NM_001145103.2); c.17A>G, p.Asp6Gly (NM_001145104.2); short protein forms D201G, D96G, D157G, D6G.
Identifiers: ClinVar variation 921870 (VCV000921870.8), dbSNP rs1416321033, ClinGen allele CA392954864.

ClinVar aggregate classification (germline): Uncertain significance. Review status: criteria provided, multiple submitters, no conflicts (2 of 4 stars). 3 submissions from 3 submitters: Uncertain significance (3). Last evaluated 2023-04-03.

Conditions:
Familial thoracic aortic aneurysm and aortic dissection (TAAD). Also called: Thoracic aortic aneurysms and dissections. Identifiers: Orphanet 91387, MedGen C4707243, MONDO:0019625.
Aneurysm-osteoarthritis syndrome. Also called: LOEYS-DIETZ SYNDROME WITH OSTEOARTHRITIS; SMAD3-Related Loeys-Dietz Syndrome; Loeys-Dietz syndrome, type 1C; ANEURYSMS-OSTEOARTHRITIS SYNDROME. Identifiers: Orphanet 284984, MedGen C3151087, MONDO:0013426, OMIM 613795.

Allele frequency attached by ClinVar (database versions not stated): gnomAD exomes below 0.00001.
gnomAD v4.1: 4 of 1,589,700 alleles (0.00025%); highest among the groups gnomAD compares: Non-Finnish European, 0.00034%; no homozygotes.

Submissions (3):

All of Us Research Program, National Institutes of Health
Classification: Uncertain significance for Aneurysm-osteoarthritis syndrome. Last evaluated: 2023-04-03. Review status: criteria provided, single submitter. Criteria: ACMG Guidelines, 2015. Collection method: clinical testing. Allele origin: germline. Inheritance: Autosomal dominant inheritance. Observed: 2 variant alleles, 2 heterozygotes.
Comment: This missense variant replaces aspartic acid with glycine at codon 201 of the SMAD3 protein. Computational prediction tools and conservation analyses are inconclusive regarding the impact of this variant on protein function. Computational splicing tools suggest that this variant may not impact RNA splicing. To our knowledge, functional assays have not been performed for this variant nor has this variant been reported in individuals affected with cardiovascular disorders in the literature. This variant has not been identified in the general population by the Genome Aggregation Database (gnomAD). Available evidence is insufficient to determine the role of this variant in disease conclusively. Therefore, this variant is classified as a Variant of Uncertain Significance.

This study involves interpretation of variants in research participants for the purpose of population health screening. Participant phenotype was not available at the time of variant classification. Additional details can be found in publication PMID: 35346344, PMCID: PMC8962531

Color Diagnostics, LLC DBA Color Health
Classification: Uncertain significance for Familial thoracic aortic aneurysm and aortic dissection. Last evaluated: 2023-02-02. Review status: criteria provided, single submitter. Criteria: ACMG Guidelines, 2015. Collection method: clinical testing. Allele origin: germline.
Comment: This missense variant replaces aspartic acid with glycine at codon 201 of the SMAD3 protein. Computational prediction is inconclusive regarding the impact of this variant on protein structure and function (internally defined REVEL score threshold 0.5 < inconclusive < 0.7, PMID: 27666373). To our knowledge, functional studies have not been reported for this variant. This variant has not been reported in individuals affected with SMAD3-related disorders in the literature. This variant has not been identified in the general population by the Genome Aggregation Database (gnomAD). The available evidence is insufficient to determine the role of this variant in disease conclusively. Therefore, this variant is classified as a Variant of Uncertain Significance.

Labcorp Genetics (formerly Invitae), Labcorp
Classification: Uncertain significance for Familial thoracic aortic aneurysm and aortic dissection. Last evaluated: 2023-01-15. Review status: criteria provided, single submitter. Criteria: Invitae Variant Classification Sherloc (09022015). Collection method: clinical testing. Allele origin: germline.
Comment: This variant has not been reported in the literature in individuals affected with SMAD3-related conditions. In summary, the available evidence is currently insufficient to determine the role of this variant in disease. Therefore, it has been classified as a Variant of Uncertain Significance. Advanced modeling of protein sequence and biophysical properties (such as structural, functional, and spatial information, amino acid conservation, physicochemical variation, residue mobility, and thermodynamic stability) performed at Invitae indicates that this missense variant is not expected to disrupt SMAD3 protein function. ClinVar contains an entry for this variant (Variation ID: 921870). This variant is not present in population databases (gnomAD no frequency). This sequence change replaces aspartic acid, which is acidic and polar, with glycine, which is neutral and non-polar, at codon 201 of the SMAD3 protein (p.Asp201Gly).